The following is an entry in ClinVar:

ClinVar aggregate classification (germline): Benign (0 of 4 stars; one submission).

Conditions:
ZFP36L2-related disorder. Also called: ZFP36L2-related condition.

Allele frequency attached by ClinVar (database versions not stated): ExAC 0.09139; TOPMed 0.10119; gnomAD 0.10466; ESP Exome Variant Server 0.11226; 1000 Genomes Project 0.11502; 1000 Genomes Project 30x 0.11587.

Submission:

PreventionGenetics, part of Exact Sciences
Classification: Benign for ZFP36L2-related condition. Last evaluated: 2019-12-11. Review status: no assertion criteria provided. Collection method: clinical testing. Allele origin: germline.
Comment: This variant is classified as benign based on ACMG/AMP sequence variant interpretation guidelines (Richards et al. 2015 PMID: 25741868, with internal and published modifications).

NM_006887.5(ZFP36L2):c.609C>T (p.Ile203=)

Gene: ZFP36L2 (ZFP36 ring finger protein like 2; minus strand). Cytogenetic location: 2p21.
Variant type: single nucleotide variant.
Coding change: c.609C>T on transcript NM_006887.5 (MANE Select); coding-DNA position 609, C replaced by T.
Protein change: p.Ile203=; no amino-acid change (isoleucine 203 retained).
Molecular consequence: synonymous variant.
Genome position (GRCh38, 1-based): chr2:43,225,195, G>A on the plus strand (C>T on the coding strand, the complement: ZFP36L2 is on the minus strand). VCF-style: chr2-43225195-G-A. GRCh37 (hg19) VCF-style: chr2-43452334-G-A.
Identifiers: ClinVar variation 3055927 (VCV003055927.2), dbSNP rs8098, ClinGen allele CA1631520.
Genomic context (GRCh38, chr2:43,225,195, plus strand): 5'-GGGCCGCCGCTCGTCCGCGTTGTGGATGAAGTGGCAGCGCGGCCCATAGGGGCAGAAGCC[G>A]ATGGTATGAAAGGTGCGGCACAGCTCGGTCTTGTACTTCGGATGGCGAGTCAGGCTGCGC-3'
Protein context (NP_008818.3, residues 193-213): KTELCRTFHT[Ile203=]GFCPYGPRCH